The following is an entry in ClinVar:

ClinVar aggregate classification (germline): Benign (1 of 4 stars; one submission).

Allele frequency attached by ClinVar (database versions not stated): gnomAD 0.26932 and 0.28109; TOPMed 0.27140; 1000 Genomes Project 0.37360.
gnomAD v4.1: 42,965 of 152,102 alleles (28%); highest among the groups gnomAD compares: East Asian, 69%; 6,996 homozygotes.

Submission:

GeneDx
Classification: Benign. Last evaluated: 2018-06-19. Review status: criteria provided, single submitter. Criteria: GeneDx Variant Classification (06012015). Collection method: clinical testing. Allele origin: germline. Affected: yes.
Comment: This variant is considered likely benign or benign based on one or more of the following criteria: it is a conservative change, it occurs at a poorly conserved position in the protein, it is predicted to be benign by multiple in silico algorithms, and/or has population frequency not consistent with disease.

NM_000016.6(ACADM):c.119-296A>G

Gene: ACADM (acyl-CoA dehydrogenase medium chain; plus strand). Cytogenetic location: 1p31.1.
Variant type: single nucleotide variant.
Coding change: c.119-296A>G on transcript NM_000016.6 (MANE Select); 296 bases into the intron before coding-DNA position 119, A replaced by G.
Molecular consequence: intron variant.
Genome position (GRCh38, 1-based): chr1:75,732,348, A>G. VCF-style: chr1-75732348-A-G. GRCh37 (hg19) VCF-style: chr1-76198033-A-G.
Other names: c.131-296A>G (NM_001127328.3); c.119-296A>G (NM_001286043.2); c.11-296A>G (NM_001286042.2); c.-267-296A>G (NM_001286044.2).
Identifiers: ClinVar variation 682748 (VCV000682748.1), dbSNP rs7548695, ClinGen allele CA10676830.